The following is an entry in ClinVar:

ClinVar aggregate classification (germline): Conflicting classifications of pathogenicity. Review status: criteria provided, conflicting classifications (1 of 4 stars). 4 submissions from 4 submitters: Uncertain significance (1); Benign (1); Likely benign (2). Last evaluated 2026-04-01.

Conditions:
Autosomal dominant nonsyndromic hearing loss 4A. Also called: Deafness, autosomal dominant 4A. Identifiers: Orphanet 90635, MedGen C1833503, MONDO:0010915, OMIM 600652.

Allele frequency attached by ClinVar (database versions not stated): gnomAD 0.00004; gnomAD exomes 0.00004 and 0.00009; TOPMed 0.00006; ExAC 0.00007; ESP Exome Variant Server 0.00019.
gnomAD v4.1: 74 of 1,585,444 alleles (0.0047%); highest among the groups gnomAD compares: Admixed American, 0.0035%; no homozygotes.

Submissions (4):

CeGaT Center for Human Genetics Tuebingen
Classification: Likely benign. Last evaluated: 2026-04-01. Review status: criteria provided, single submitter. Criteria: CeGaT Center For Human Genetics Tuebingen Variant Classification Criteria Version 2. Collection method: clinical testing. Allele origin: germline. Affected: yes. Observed: 2 variant alleles.
Comment: MYH14: BP4, BP7

Labcorp Genetics (formerly Invitae), Labcorp
Classification: Benign. Last evaluated: 2023-06-21. Review status: criteria provided, single submitter. Criteria: Invitae Variant Classification Sherloc (09022015). Collection method: clinical testing. Allele origin: germline.

GeneDx
Classification: Likely benign. Last evaluated: 2020-12-21. Review status: criteria provided, single submitter. Criteria: GeneDx Variant Classification Process June 2021. Collection method: clinical testing. Allele origin: germline. Affected: yes.

Illumina Laboratory Services, Illumina
Classification: Uncertain significance for Autosomal dominant nonsyndromic hearing loss 4A. Last evaluated: 2018-01-13. Review status: criteria provided, single submitter. Criteria: ICSL Variant Classification Criteria 13 December 2019. Collection method: clinical testing. Allele origin: germline.

NM_001145809.2(MYH14):c.4296C>T (p.Ser1432=)

Gene: MYH14 (myosin heavy chain 14; plus strand). Cytogenetic location: 19q13.33.
Variant type: single nucleotide variant.
Coding change: c.4296C>T on transcript NM_001145809.2 (MANE Select); coding-DNA position 4296, C replaced by T.
Protein change: p.Ser1432=; no amino-acid change (serine 1432 retained).
Molecular consequence: synonymous variant.
Genome position (GRCh38, 1-based): chr19:50,281,599, C>T. VCF-style: chr19-50281599-C-T. GRCh37 (hg19) VCF-style: chr19-50784856-C-T.
Other names: c.4197C>T, p.Ser1399= (NM_001077186.2); c.4173C>T, p.Ser1391= (NM_024729.4).
Identifiers: ClinVar variation 329940 (VCV000329940.49), dbSNP rs370811348, ClinGen allele CA9593477.
Genomic context (GRCh38, chr19:50,281,599, plus strand): 5'-CACCTTGGTCACTCATGGCCGTGACCACCAACCACCCTCTCTCTCCTCCCCTCAGCTTTC[C>T]GAGTGGCGGCGGCGCCAGGAGGAGGAGGCAGGGGCACTGGAGGCAGGGGAGGAGGCACGG-3'
Protein context (NP_001139281.1, residues 1422-1442): RELQTAQAQL[Ser1432=]EWRRRQEEEA